The following is an entry in ClinVar:

NM_000257.4(MYH7):c.4954-14C>G

Genes: MHRT (myosin heavy chain associated RNA transcript; plus strand), MYH7 (myosin heavy chain 7; minus strand), LOC126861897 (BRD4-independent group 4 enhancer GRCh37_chr14:23884455-23885654; plus strand). Cytogenetic location: 14q11.2.
Variant type: single nucleotide variant.
Coding change: c.4954-14C>G on transcript NM_000257.4 (MANE Select); 14 bases into the intron before coding-DNA position 4954, C replaced by G.
Molecular consequence: intron variant.
Genome position (GRCh38, 1-based): chr14:23,415,846, G>C on the plus strand (C>G on the coding strand, the complement: MYH7 is on the minus strand). VCF-style: chr14-23415846-G-C. GRCh37 (hg19) VCF-style: chr14-23885055-G-C.
Identifiers: ClinVar variation 179711 (VCV000179711.7), dbSNP rs727505070, ClinGen allele CA015494.

ClinVar aggregate classification (germline): Conflicting classifications of pathogenicity. Review status: criteria provided, conflicting classifications (1 of 4 stars). 3 submissions from 3 submitters: Uncertain significance (2); Likely benign (1). Last evaluated 2025-09-22.

Conditions:
Cardiomyopathy (CMYO). Also called: Cardiomyopathies. Identifiers: Orphanet 167848, MedGen C0878544, MONDO:0004994, HP:0001638. Inheritance: Various modes of inheritance.
Hypertrophic cardiomyopathy. Also called: HYPERTROPHIC MYOCARDIOPATHY. Identifiers: Orphanet 217569, MedGen C0007194, MeSH D002312, MONDO:0005045, HP:0001639.

Allele frequency attached by ClinVar (database versions not stated): gnomAD exomes 0.00001; ExAC 0.00002.
gnomAD v4.1: 5 of 1,614,204 alleles (0.00031%); highest among the groups gnomAD compares: South Asian, 0.0044%; no homozygotes.

Submissions (3):

Labcorp Genetics (formerly Invitae), Labcorp
Classification: Likely benign for Hypertrophic cardiomyopathy. Last evaluated: 2025-09-22. Review status: criteria provided, single submitter. Criteria: Invitae Variant Classification Sherloc (09022015). Collection method: clinical testing. Allele origin: germline.

All of Us Research Program, National Institutes of Health
Classification: Uncertain significance for Cardiomyopathy. Last evaluated: 2023-11-20. Review status: criteria provided, single submitter. Criteria: ACMG Guidelines, 2015. Collection method: clinical testing. Allele origin: germline. Inheritance: Autosomal dominant inheritance. Observed: 1 variant allele, 1 heterozygote.
Comment: This variant causes a C to G nucleotide substitution at the -14 position of intron 34 of the MYH7 gene. To our knowledge, functional studies have not been reported for this variant. This variant has been reported in one individual affected with hypertrophic cardiomyopathy (PMID: 30297972). This variant has been identified in 3/251176 chromosomes in the general population by the Genome Aggregation Database (gnomAD). The available evidence is insufficient to determine the role of this variant in disease conclusively. Therefore, this variant is classified as a Variant of Uncertain Significance.

This study involves interpretation of variants in research participants for the purpose of population health screening. Participant phenotype was not available at the time of variant classification. Additional details can be found in publication PMID: 35346344, PMCID: PMC8962531

Laboratory for Molecular Medicine, Mass General Brigham Personalized Medicine
Classification: Uncertain significance. Last evaluated: 2014-04-15. Review status: criteria provided, single submitter. Criteria: LMM Criteria. Collection method: clinical testing. Allele origin: germline. Observed: 1 variant allele.
Comment: The 4954-14C>G variant in MYH7 has not been previously reported in individuals w ith cardiomyopathy or in large population studies. This variant is located in t he 3' splice region. Computational tools do not suggest an impact to splicing. H owever, this information is not predictive enough to rule out pathogenicity. In summary, the clinical significance of the 4954-14C>G variant is uncertain.

Literature cited by the submitters: PubMed 30297972 (cited by All of Us Research Program, National Institutes of Health).